The following is an entry in ClinVar:

NM_152296.5(ATP1A3):c.2989C>G (p.Leu997Val)

Gene: ATP1A3 (ATPase Na+/K+ transporting subunit alpha 3; minus strand). Cytogenetic location: 19q13.2.
Variant type: single nucleotide variant.
Coding change: c.2989C>G on transcript NM_152296.5 (MANE Select); coding-DNA position 2989, C replaced by G.
Protein change: p.Leu997Val; replaces leucine 997 with valine.
Molecular consequence: missense variant.
Genome position (GRCh38, 1-based): chr19:41,967,273, G>C on the plus strand (C>G on the coding strand, the complement: ATP1A3 is on the minus strand). VCF-style: chr19-41967273-G-C. GRCh37 (hg19) VCF-style: chr19-42471425-G-C.
Other names: c.3022C>G, p.Leu1008Val (NM_001256213.2); c.3028C>G, p.Leu1010Val (NM_001256214.2); short protein forms L1008V, L1010V, L997V.
Identifiers: ClinVar variation 2662554 (VCV002662554.1), dbSNP rs2075053422, ClinGen allele CA406035014.
Genomic context (GRCh38, chr19:41,967,273, plus strand): 5'-CCCGCCCCCCTCGGCTGCCTTGCCGAGCTCCCTCACCCCCTGGGTTCCTGCGCAGGATGA[G>C]TTTGCGGATTTCGTCGTAGACGAAGATGAGGAAACTGTAGGGGAAGGCACAGAACCACCA-3'
Protein context (NP_689509.1, residues 987-1007): LIFVYDEIRK[Leu997Val]ILRRNPGGWV

ClinVar aggregate classification (germline): Uncertain significance (1 of 4 stars; one submission).

Submission:

GeneDx
Classification: Uncertain significance. Last evaluated: 2023-04-12. Review status: criteria provided, single submitter. Criteria: GeneDx Variant Classification Process June 2021. Collection method: clinical testing. Allele origin: germline. Affected: yes.
Comment: Not observed at significant frequency in large population cohorts (gnomAD); In silico analysis supports that this missense variant does not alter protein structure/function; Has not been previously published as pathogenic or benign to our knowledge